The following is an entry in ClinVar:

NM_004304.5(ALK):c.4165-6C>T

Gene: ALK (ALK receptor tyrosine kinase; minus strand). Cytogenetic location: 2p23.2.
Variant type: single nucleotide variant.
Coding change: c.4165-6C>T on transcript NM_004304.5 (MANE Select); 6 bases into the intron before coding-DNA position 4165, C replaced by T.
Molecular consequence: intron variant.
Genome position (GRCh38, 1-based): chr2:29,193,928, G>A on the plus strand (C>T on the coding strand, the complement: ALK is on the minus strand). VCF-style: chr2-29193928-G-A. GRCh37 (hg19) VCF-style: chr2-29416794-G-A.
Other names: p.?; c.961-6C>T (NM_001353765.2).
Identifiers: ClinVar variation 259272 (VCV000259272.20), dbSNP rs17007646, ClinGen allele CA1593635.

ClinVar aggregate classification (germline): Benign. Review status: criteria provided, multiple submitters, no conflicts (2 of 4 stars). 10 submissions from 10 submitters: Benign (9). 1 of the submissions does not count toward it. Last evaluated 2026-02-04.

Conditions:
Neuroblastoma, susceptibility to, 3. Also called: ALK-Related Neuroblastic Tumor Susceptibility. Identifiers: Orphanet 635, MedGen C2751681, MONDO:0013083, OMIM 613014.
Squamous cell lung carcinoma. Also called: Lung cancer, squamous cell, somatic; Squamous cell carcinoma of lung. Identifiers: MedGen C0149782, MONDO:0005097, HP:0030359.

Allele frequency attached by ClinVar (database versions not stated): gnomAD exomes 0.12524; ExAC 0.13110; 1000 Genomes Project 0.16094; 1000 Genomes Project 30x 0.16880; gnomAD 0.19706 and 0.20768; TOPMed 0.20090; ESP Exome Variant Server 0.20252.
gnomAD v4.1: 223,712 of 1,613,500 alleles (14%); highest among the groups gnomAD compares: African/African-American, 37%; 19,122 homozygotes.

Submissions (10):

Labcorp Genetics (formerly Invitae), Labcorp
Classification: Benign for Neuroblastoma, susceptibility to, 3. Last evaluated: 2026-02-04. Review status: criteria provided, single submitter. Criteria: Invitae Variant Classification Sherloc (09022015). Collection method: clinical testing. Allele origin: germline.

KCCC/NGS Laboratory, Kuwait Cancer Control Center
Classification: Benign for Neuroblastoma, susceptibility to, 3. Last evaluated: 2023-07-07. Review status: criteria provided, single submitter. Criteria: ACMG Guidelines, 2015. Collection method: clinical testing. Allele origin: germline. Affected: yes.

Mayo Clinic Laboratories, Mayo Clinic
Classification: Benign. Last evaluated: 2021-04-25. Review status: criteria provided, single submitter. Criteria: ACMG Guidelines, 2015. Collection method: clinical testing. Allele origin: germline. Observed: 56 variant alleles.

Illumina Laboratory Services, Illumina
Classification: Benign for Neuroblastoma, susceptibility to, 3. Last evaluated: 2018-01-13. Review status: criteria provided, single submitter. Criteria: ICSL Variant Classification Criteria 13 December 2019. Collection method: clinical testing. Allele origin: germline.
Comment: This variant was observed in the ICSL laboratory as part of a predisposition screen in an ostensibly healthy population. It had not been previously curated by ICSL or reported in the Human Gene Mutation Database (HGMD: prior to June 1st, 2018), and was therefore a candidate for classification through an automated scoring system. Utilizing variant allele frequency, disease prevalence and penetrance estimates, and inheritance mode, an automated score was calculated to assess if this variant is too frequent to cause the disease. Based on the score and internal cut-off values, a variant classified as benign is not then subjected to further curation. The score for this variant resulted in a classification of benign for this disease.

Women's Health and Genetics/Laboratory Corporation of America, LabCorp
Classification: Benign. Last evaluated: 2016-04-27. Review status: criteria provided, single submitter. Criteria: LabCorp Variant Classification Summary - May 2015. Collection method: clinical testing. Allele origin: germline.
Comment: Variant summary: The variant of interest is located at a non-conserved intronic position, not widely known to affect splicing, with 4/5 in silico programs via Alamut predicting no significant effect on splicing, although these predictions have yet to be functionally assessed. The variant of interest was observed in the large, broad control population, ExAC, with an allele frequency of 15272/116488 (1/7 including 1465 homozygotes), which exceeds the predicted maximum expected allele frequency for a pathogenic ALK of 1/2500000. The variant of interest, to our knowledge, has not been published in affected individuals. A reputable clinical laboratory cites the variant with a classification of "benign." Therefore, taking all available lines of evidence into consideration, the variant of interest is classified as Benign.

GeneDx
Classification: Benign. Last evaluated: 2016-04-05. Review status: criteria provided, single submitter. Criteria: GeneDx Variant Classification (06012015). Collection method: clinical testing. Allele origin: germline. Affected: yes.
Comment: This variant is considered likely benign or benign based on one or more of the following criteria: it is a conservative change, it occurs at a poorly conserved position in the protein, it is predicted to be benign by multiple in silico algorithms, and/or has population frequency not consistent with disease.

Eurofins Ntd Llc (ga)
Classification: Benign. Last evaluated: 2015-09-10. Review status: criteria provided, single submitter. Criteria: EGL Classification Definitions 2015. Collection method: clinical testing. Allele origin: germline. Observed: 1 variant allele, 1 heterozygote.

Breakthrough Genomics
Classification: Benign. Review status: criteria provided, single submitter. Criteria: ACMG Guidelines, 2015. Collection method: not provided. Allele origin: germline. Inheritance: Unknown mechanism. Affected: yes.

PreventionGenetics, part of Exact Sciences
Classification: Benign. Review status: criteria provided, single submitter. Criteria: ACMG Guidelines, 2015. Collection method: clinical testing. Allele origin: germline.

Faculté Pluridciplinaire Nador, Université Mohamed Premier
Classification: Uncertain significance for Squamous Cell Lung Carcinoma. Last evaluated: 2020-05-05. Review status: no assertion criteria provided. Collection method: clinical testing, in vivo. Allele origin: somatic. Affected: yes. Observed: 1 variant allele. Not counted in ClinVar's aggregate classification.

Literature cited by the submitters: DOI 10.3389/fonc.2020.01215 (cited by Faculté Pluridciplinaire Nador, Université Mohamed Premier).